The following is an entry in ClinVar:

ClinVar aggregate classification (germline): Uncertain significance (1 of 4 stars; one submission).

gnomAD v4.1: 1 of 1,612,194 alleles (0.000062%); highest among the groups gnomAD compares: African/African-American, 0.0013%; no homozygotes.

Submission:

Ambry Genetics
Classification: Uncertain significance. Last evaluated: 2024-10-12. Review status: criteria provided, single submitter. Criteria: Ambry Variant Classification Scheme 2023. Collection method: clinical testing. Allele origin: germline.
Comment: The p.V1901A variant (also known as c.5702T>C), located in coding exon 17 of the POLQ gene, results from a T to C substitution at nucleotide position 5702. The valine at codon 1901 is replaced by alanine, an amino acid with similar properties. This amino acid position is conserved. In addition, this alteration is predicted to be tolerated by in silico analysis. Since supporting evidence is limited at this time, the clinical significance of this alteration remains unclear.

NM_199420.4(POLQ):c.5702T>C (p.Val1901Ala)

Gene: POLQ (DNA polymerase theta; minus strand). Cytogenetic location: 3q13.33.
Variant type: single nucleotide variant.
Coding change: c.5702T>C on transcript NM_199420.4 (MANE Select); coding-DNA position 5702, T replaced by C.
Protein change: p.Val1901Ala; replaces valine 1901 with alanine.
Molecular consequence: missense variant.
Genome position (GRCh38, 1-based): chr3:121,485,112, A>G on the plus strand (T>C on the coding strand, the complement: POLQ is on the minus strand). VCF-style: chr3-121485112-A-G. GRCh37 (hg19) VCF-style: chr3-121203959-A-G.
Other names: short protein forms V1901A.
Identifiers: ClinVar variation 1749183 (VCV001749183.3), dbSNP rs2546782950, ClinGen allele CA354089153.